The following is an entry in ClinVar:

NM_000282.4(PCCA):c.717-2A>G

Gene: PCCA (propionyl-CoA carboxylase subunit alpha; plus strand). Cytogenetic location: 13q32.3.
Variant type: single nucleotide variant.
Coding change: c.717-2A>G on transcript NM_000282.4 (MANE Select); the canonical splice acceptor site of the intron before coding-DNA position 717, A replaced by G.
Molecular consequence: splice acceptor variant.
Genome position (GRCh38, 1-based): chr13:100,262,727, A>G. VCF-style: chr13-100262727-A-G. GRCh37 (hg19) VCF-style: chr13-100914981-A-G.
Other names: c.717-2A>G (NM_001178004.2, NM_001352605.2, NM_001352606.2 and 1 more transcripts); c.-229-2A>G (NM_001352610.2, NM_001352611.2, NM_001352612.2); c.639-2A>G (NM_001127692.3, NM_001352607.2, NM_001352608.2).
Identifiers: ClinVar variation 850378 (VCV000850378.14), dbSNP rs2062611307, ClinGen allele CA388694204.
Genomic context (GRCh38, chr13:100,262,727, plus strand): 5'-TCTTCCCCTTCCCCTTCCCCTCCCTCTCCCCCCCTCCTCCTTCTTCCTTCTTTTTTTCAC[A>G]GGGATGGTTTTAGATTGTCATCTCAAGAAGCTGCTTCTAGTTTTGGCGATGATAGACTAC-3'

ClinVar aggregate classification (germline): Pathogenic/Likely pathogenic. Review status: criteria provided, multiple submitters, no conflicts (2 of 4 stars). 3 submissions from 3 submitters: Pathogenic (1); Likely pathogenic (1). 1 of the submissions does not count toward it. Last evaluated 2022-10-02.

Conditions:
Propionic acidemia (PROP). Also called: GLYCINEMIA, KETOTIC; HYPERGLYCINEMIA WITH KETOACIDOSIS AND LEUKOPENIA; KETOTIC HYPERGLYCINEMIA. Identifiers: Orphanet 35, MedGen C0268579, MONDO:0011628, OMIM 606054, HP:0003571.

Allele frequency attached by ClinVar (database versions not stated): gnomAD exomes below 0.00001.
gnomAD v4.1: 1 of 1,446,798 alleles (0.000069%); highest among the groups gnomAD compares: Non-Finnish European, 0.000095%; no homozygotes.

Submissions (3):

Labcorp Genetics (formerly Invitae), Labcorp
Classification: Likely pathogenic for Propionic acidemia. Last evaluated: 2022-10-02. Review status: criteria provided, single submitter. Criteria: Invitae Variant Classification Sherloc (09022015). Collection method: clinical testing. Allele origin: germline.
Comment: In summary, the currently available evidence indicates that the variant is pathogenic, but additional data are needed to prove that conclusively. Therefore, this variant has been classified as Likely Pathogenic. Studies have shown that disruption of this splice site results in the activation of a cryptic splice site in exon 10 (PMID: 33923806). ClinVar contains an entry for this variant (Variation ID: 850378). Disruption of this splice site has been observed in individual(s) with propionic acidemia (PMID: 19099776). In at least one individual the data is consistent with being in trans (on the opposite chromosome) from a pathogenic variant. This variant is not present in population databases (gnomAD no frequency). This sequence change affects an acceptor splice site in intron 9 of the PCCA gene. RNA analysis indicates that disruption of this splice site induces altered splicing and likely results in the loss of 8 amino acid residue(s), but is expected to preserve the integrity of the reading-frame.

Laboratory of Inherited Metabolic Diseases, Research centre for medical genetics
Classification: Pathogenic for Propionic acidemia. Last evaluated: 2021-02-17. Review status: criteria provided, single submitter. Criteria: ACMG Guidelines, 2015. Collection method: research, in vitro. Allele origin: germline, not applicable. Affected: yes.
Comment: PVS1, PM2, PP4

Natera, Inc.
Classification: Likely pathogenic for Propionic acidemia. Last evaluated: 2020-12-28. Review status: no assertion criteria provided. Collection method: clinical testing. Allele origin: germline. Not counted in ClinVar's aggregate classification.

Literature cited by the submitters: PubMed 33923806 (cited by Labcorp Genetics (formerly Invitae), Labcorp); PubMed 19099776 (cited by Labcorp Genetics (formerly Invitae), Labcorp).